The following is an entry in ClinVar:

ClinVar aggregate classification (germline): Conflicting classifications of pathogenicity. Review status: criteria provided, conflicting classifications (1 of 4 stars). 2 submissions from 2 submitters: Likely pathogenic (1); Uncertain significance (1). Last evaluated 2025-11-06.

Conditions:
Hereditary hyperekplexia. Identifiers: Orphanet 3197, MedGen C4084968, MONDO:0021022.

Allele frequency attached by ClinVar (database versions not stated): gnomAD 0.00001; TOPMed 0.00001.
gnomAD v4.1: 3 of 1,613,930 alleles (0.00019%); highest among the groups gnomAD compares: African/African-American, 0.0027%; no homozygotes.

Submissions (2):

Labcorp Genetics (formerly Invitae), Labcorp
Classification: Uncertain significance for Hereditary hyperekplexia. Last evaluated: 2025-11-06. Review status: criteria provided, single submitter. Criteria: Invitae Variant Classification Sherloc (09022015). Collection method: clinical testing. Allele origin: germline.
Comment: This sequence change replaces glutamine, which is neutral and polar, with proline, which is neutral and non-polar, at codon 95 of the GLRA1 protein (p.Gln95Pro). This variant is present in population databases (no rsID available, gnomAD 0.01%). This variant has not been reported in the literature in individuals affected with GLRA1-related conditions. ClinVar contains an entry for this variant (Variation ID: 429588). Invitae Evidence Modeling of protein sequence and biophysical properties (such as structural, functional, and spatial information, amino acid conservation, physicochemical variation, residue mobility, and thermodynamic stability) has been performed for this missense variant. However, the output from this modeling did not meet the statistical confidence thresholds required to predict the impact of this variant on GLRA1 protein function. In summary, the available evidence is currently insufficient to determine the role of this variant in disease. Therefore, it has been classified as a Variant of Uncertain Significance.

GeneDx
Classification: Likely pathogenic. Last evaluated: 2015-10-27. Review status: criteria provided, single submitter. Criteria: GeneDx Variant Classification (06012015). Collection method: clinical testing. Allele origin: germline. Affected: yes.
Comment: The Q95P variant in the GLRA1 gene has not been reported previously as a pathogenic variant, nor as a benign variant, to our knowledge. The Q95P variant was not observed in approximately 6,500 individuals of European and African American ancestry in the NHLBI Exome Sequencing Project, indicating it is not a common benign variant in these populations. The Q95P variant is a non-conservative amino acid substitution, which is likely to impact secondary protein structure as these residues differ in polarity, charge, size and/or other properties. This substitution occurs at a position that is conserved in mammals. In silico analysis is inconsistent in its predictions as to whether or not the variant is damaging to the protein structure/function. Missense variants in nearby residues (R93L, R93W, W96C) have been reported in the Human Gene Mutation Database in association with hyperekplexia (Stenson et al., 2014), supporting the functional importance of this region of the protein. The Q95P variant is a strong candidate for a pathogenic variant, however the possibility it may be a rare benign variant cannot be excluded

NM_000171.4(GLRA1):c.284A>C (p.Gln95Pro)

Gene: GLRA1 (glycine receptor alpha 1; minus strand). Cytogenetic location: 5q33.1.
Variant type: single nucleotide variant.
Coding change: c.284A>C on transcript NM_000171.4 (MANE Select); coding-DNA position 284, A replaced by C.
Protein change: p.Gln95Pro; replaces glutamine 95 with proline.
Molecular consequence: missense variant.
Genome position (GRCh38, 1-based): chr5:151,859,977, T>G on the plus strand (A>C on the coding strand, the complement: GLRA1 is on the minus strand). VCF-style: chr5-151859977-T-G. GRCh37 (hg19) VCF-style: chr5-151239538-T-G.
Other names: c.284A>C, p.Gln95Pro (NM_001146040.2); c.35A>C, p.Gln12Pro (NM_001292000.2); short protein forms Q95P, Q12P.
Identifiers: ClinVar variation 429588 (VCV000429588.4), dbSNP rs1131691474, ClinGen allele CA361842185.